The following is an entry in ClinVar:

NM_001195.5(BFSP1):c.205C>T (p.Arg69Trp)

Gene: BFSP1 (beaded filament structural protein 1; minus strand). Cytogenetic location: 20p12.1.
Variant type: single nucleotide variant.
Coding change: c.205C>T on transcript NM_001195.5 (MANE Select); coding-DNA position 205, C replaced by T.
Protein change: p.Arg69Trp; replaces arginine 69 with tryptophan.
Molecular consequence: missense variant. On other transcripts: intron variant (4).
Genome position (GRCh38, 1-based): chr20:17,531,125, G>A on the plus strand (C>T on the coding strand, the complement: BFSP1 is on the minus strand). VCF-style: chr20-17531125-G-A. GRCh37 (hg19) VCF-style: chr20-17511770-G-A.
Other names: c.205C>T, p.Arg69Trp (NM_001424338.1); c.-40-6217C>T (NM_001278608.2, NM_001278606.2); c.45-6217C>T (NM_001278607.2); c.3-6217C>T (NM_001161705.2); c.205C>T (NM_001195.3); short protein forms R69W.
Identifiers: ClinVar variation 3004496 (VCV003004496.4), dbSNP rs1243450543, ClinGen allele CA408310013.

ClinVar aggregate classification (germline): Uncertain significance. Review status: criteria provided, multiple submitters, no conflicts (2 of 4 stars). 2 submissions from 2 submitters: Uncertain significance (2). Last evaluated 2024-01-29.

Conditions:
Cataract 33. Also called: CATARACT 33, CORTICAL. Identifiers: Orphanet 91492, MedGen C3808107, MONDO:0012665, OMIM 611391.
Inborn genetic diseases. Identifiers: MedGen C0950123, MeSH D030342.

Allele frequency attached by ClinVar (database versions not stated): gnomAD 0.00001; gnomAD exomes 0.00001; TOPMed 0.00002.

Submissions (2):

Ambry Genetics
Classification: Uncertain significance for Inborn genetic diseases. Last evaluated: 2024-01-29. Review status: criteria provided, single submitter. Criteria: Ambry Variant Classification Scheme 2023. Collection method: clinical testing. Allele origin: germline.

Labcorp Genetics (formerly Invitae), Labcorp
Classification: Uncertain significance for Cataract 33. Last evaluated: 2023-06-16. Review status: criteria provided, single submitter. Criteria: Invitae Variant Classification Sherloc (09022015). Collection method: clinical testing. Allele origin: germline.
Comment: This variant has not been reported in the literature in individuals affected with BFSP1-related conditions. In summary, the available evidence is currently insufficient to determine the role of this variant in disease. Therefore, it has been classified as a Variant of Uncertain Significance. Advanced modeling of protein sequence and biophysical properties (such as structural, functional, and spatial information, amino acid conservation, physicochemical variation, residue mobility, and thermodynamic stability) has been performed at Invitae for this missense variant, however the output from this modeling did not meet the statistical confidence thresholds required to predict the impact of this variant on BFSP1 protein function. This variant is not present in population databases (gnomAD no frequency). This sequence change replaces arginine, which is basic and polar, with tryptophan, which is neutral and slightly polar, at codon 69 of the BFSP1 protein (p.Arg69Trp).